The following is an entry in ClinVar:

ClinVar aggregate classification (germline): Uncertain significance. Review status: criteria provided, multiple submitters, no conflicts (2 of 4 stars). 2 submissions from 2 submitters: Uncertain significance (2). Last evaluated 2025-11-17.

gnomAD v4.1: 1 of 1,614,052 alleles (0.000062%); highest among the groups gnomAD compares: Non-Finnish European, 0.000085%; no homozygotes.

Submissions (2):

Greenwood Genetic Center Diagnostic Laboratories, Greenwood Genetic Center
Classification: Uncertain significance. Last evaluated: 2025-11-17. Review status: criteria provided, single submitter. Criteria: ACMG Guidelines, 2015. Collection method: clinical testing. Allele origin: germline. Affected: yes.
Comment: PM2, PP2

Labcorp Genetics (formerly Invitae), Labcorp
Classification: Uncertain significance. Last evaluated: 2024-06-12. Review status: criteria provided, single submitter. Criteria: Invitae Variant Classification Sherloc (09022015). Collection method: clinical testing. Allele origin: germline.
Comment: This sequence change replaces asparagine, which is neutral and polar, with histidine, which is basic and polar, at codon 1133 of the DHX9 protein (p.Asn1133His). The frequency data for this variant in the population databases is considered unreliable, as metrics indicate poor data quality at this position in the gnomAD database. This variant has not been reported in the literature in individuals affected with DHX9-related conditions. An algorithm developed to predict the effect of missense changes on protein structure and function (PolyPhen-2) suggests that this variant is likely to be tolerated. In summary, the available evidence is currently insufficient to determine the role of this variant in disease. Therefore, it has been classified as a Variant of Uncertain Significance.

NM_001357.5(DHX9):c.3397A>C (p.Asn1133His)

Gene: DHX9 (DExH-box helicase 9; plus strand). Cytogenetic location: 1q25.3.
Variant type: single nucleotide variant.
Coding change: c.3397A>C on transcript NM_001357.5 (MANE Select); coding-DNA position 3397, A replaced by C.
Protein change: p.Asn1133His; replaces asparagine 1133 with histidine.
Molecular consequence: missense variant. On other transcripts: non-coding transcript variant (1).
Genome position (GRCh38, 1-based): chr1:182,884,749, A>C. VCF-style: chr1-182884749-A-C. GRCh37 (hg19) VCF-style: chr1-182853884-A-C.
Other names: short protein forms N1133H.
Identifiers: ClinVar variation 3672778 (VCV003672778.3).
Genomic context (GRCh38, chr1:182,884,749, plus strand): 5'-GAAGTAACCAAACAACCTGCTATCATCAGCCAGTTGGACCCCGTAAATGAACGTATGCTG[A>C]ACATGATCCGTCAGATCTCTAGACCCTCAGCTGCTGGTATCAACCTTATGATTGGCAGTA-3'
Protein context (NP_001348.2, residues 1123-1143): QLDPVNERML[Asn1133His]MIRQISRPSA